The following is an entry in ClinVar:

ClinVar aggregate classification (germline): Uncertain significance (1 of 4 stars; one submission).

Conditions:
Nemaline myopathy 2 (NEM2). Also called: Nemaline myopathy 2, autosomal recessive. Identifiers: MedGen C1850569, MONDO:0009725, OMIM 256030.

Submission:

Labcorp Genetics (formerly Invitae), Labcorp
Classification: Uncertain significance for Nemaline myopathy 2. Last evaluated: 2021-04-29. Review status: criteria provided, single submitter. Criteria: Invitae Variant Classification Sherloc (09022015). Collection method: clinical testing. Allele origin: germline.
Comment: In summary, the available evidence is currently insufficient to determine the role of this variant in disease. Therefore, it has been classified as a Variant of Uncertain Significance. Algorithms developed to predict the effect of missense changes on protein structure and function are either unavailable or do not agree on the potential impact of this missense change (SIFT: "Deleterious"; PolyPhen-2: "Not Available"; Align-GVGD: "Class C0"). This variant has not been reported in the literature in individuals with NEB-related conditions. This variant is not present in population databases (ExAC no frequency). This sequence change replaces leucine with phenylalanine at codon 8018 of the NEB protein (p.Leu8018Phe). The leucine residue is weakly conserved and there is a small physicochemical difference between leucine and phenylalanine.

NM_001164508.2(NEB):c.23949G>C (p.Leu7983Phe)

Genes: RIF1 (replication timing regulatory factor 1; plus strand), NEB (nebulin; minus strand). Cytogenetic location: 2q23.3.
Variant type: single nucleotide variant.
Coding change: c.23949G>C on transcript NM_001164508.2 (MANE Select); coding-DNA position 23949, G replaced by C.
Protein change: p.Leu7983Phe; replaces leucine 7983 with phenylalanine.
Molecular consequence: missense variant. On other transcripts: intron variant (1).
Genome position (GRCh38, 1-based): chr2:151,501,463, C>G on the plus strand (G>C on the coding strand, the complement: NEB is on the minus strand). VCF-style: chr2-151501463-C-G. GRCh37 (hg19) VCF-style: chr2-152357977-C-G.
Other names: c.23949G>C, p.Leu7983Phe (NM_001164507.2); c.24054G>C, p.Leu8018Phe (NM_001271208.2); c.18825+1330G>C (NM_004543.5); short protein forms L8018F, L7983F.
Identifiers: ClinVar variation 1391517 (VCV001391517.8), dbSNP rs2153073370, ClinGen allele CA348780650.